The following is an entry in ClinVar:

ClinVar aggregate classification (germline): Uncertain significance. Review status: criteria provided, multiple submitters, no conflicts (2 of 4 stars). 2 submissions from 2 submitters: Uncertain significance (2). Last evaluated 2022-08-08.

Conditions:
Fanconi anemia (FA). Also called: Fanconi's anemia. Identifiers: Orphanet 84, MedGen C0015625, MeSH D005199, MONDO:0019391.

Allele frequency attached by ClinVar (database versions not stated): gnomAD 0.00001; gnomAD exomes 0.00001 and 0.00002; TOPMed 0.00001; ExAC 0.00003; ESP Exome Variant Server 0.00008.

Submissions (2):

Labcorp Genetics (formerly Invitae), Labcorp
Classification: Uncertain significance for Fanconi anemia. Last evaluated: 2022-08-08. Review status: criteria provided, single submitter. Criteria: Invitae Variant Classification Sherloc (09022015). Collection method: clinical testing. Allele origin: germline.
Comment: This sequence change replaces serine, which is neutral and polar, with leucine, which is neutral and non-polar, at codon 1087 of the FANCA protein (p.Ser1087Leu). This variant is present in population databases (rs376089640, gnomAD 0.007%). This variant has not been reported in the literature in individuals affected with FANCA-related conditions. ClinVar contains an entry for this variant (Variation ID: 871226). Advanced modeling of protein sequence and biophysical properties (such as structural, functional, and spatial information, amino acid conservation, physicochemical variation, residue mobility, and thermodynamic stability) performed at Invitae indicates that this missense variant is not expected to disrupt FANCA protein function. In summary, the available evidence is currently insufficient to determine the role of this variant in disease. Therefore, it has been classified as a Variant of Uncertain Significance.

CeGaT Center for Human Genetics Tuebingen
Classification: Uncertain significance. Last evaluated: 2019-11-01. Review status: criteria provided, single submitter. Criteria: CeGaT Center For Human Genetics Tuebingen Variant Classification Criteria Version 2. Collection method: clinical testing. Allele origin: germline. Affected: yes. Observed: 1 variant allele.

NM_000135.4(FANCA):c.3260C>T (p.Ser1087Leu)

Gene: FANCA (FA complementation group A; minus strand). Cytogenetic location: 16q24.3.
Variant type: single nucleotide variant.
Coding change: c.3260C>T on transcript NM_000135.4 (MANE Select); coding-DNA position 3260, C replaced by T.
Protein change: p.Ser1087Leu; replaces serine 1087 with leucine.
Molecular consequence: missense variant.
Genome position (GRCh38, 1-based): chr16:89,748,747, G>A on the plus strand (C>T on the coding strand, the complement: FANCA is on the minus strand). VCF-style: chr16-89748747-G-A. GRCh37 (hg19) VCF-style: chr16-89815155-G-A.
Other names: c.3260C>T, p.Ser1087Leu (NM_001286167.3); short protein forms S1087L.
Identifiers: ClinVar variation 871226 (VCV000871226.42), dbSNP rs376089640, ClinGen allele CA8251249.